The following is an entry in ClinVar:

NM_014049.5(ACAD9):c.91C>T (p.Arg31Cys)

Gene: ACAD9 (acyl-CoA dehydrogenase family member 9; plus strand). Cytogenetic location: 3q21.3.
Variant type: single nucleotide variant.
Coding change: c.91C>T on transcript NM_014049.5 (MANE Select); coding-DNA position 91, C replaced by T.
Protein change: p.Arg31Cys; replaces arginine 31 with cysteine.
Molecular consequence: missense variant. On other transcripts: non-coding transcript variant (1).
Genome position (GRCh38, 1-based): chr3:128,879,782, C>T. VCF-style: chr3-128879782-C-T. GRCh37 (hg19) VCF-style: chr3-128598625-C-T.
Other names: p.R31C:CGC>TGC; short protein forms R31C.
Identifiers: ClinVar variation 214013 (VCV000214013.10), dbSNP rs368630371, ClinGen allele CA321091.
Genomic context (GRCh38, chr3:128,879,782, plus strand): 5'-ACGGCTGCGGCTCGTGCCTGCCGGGGTCTGGTGGTCTCTACCGCGAACCGGCGGCTACTG[C>T]GCACCAGCCCGCCTGTACGAGCTTTCGCCAAAGAGCTTTTCCTAGGCAAAATCAAGAAGG-3'
Protein context (NP_054768.2, residues 21-41): VVSTANRRLL[Arg31Cys]TSPPVRAFAK

ClinVar aggregate classification (germline): Uncertain significance. Review status: criteria provided, multiple submitters, no conflicts (2 of 4 stars). 5 submissions from 5 submitters: Uncertain significance (4). 1 of the submissions does not count toward it. Last evaluated 2025-01-30.

Conditions:
Inborn genetic diseases. Identifiers: MedGen C0950123, MeSH D030342.
Acyl-CoA dehydrogenase 9 deficiency. Also called: Acyl-CoA dehydrogenase family, member 9, deficiency of; MITOCHONDRIAL COMPLEX I DEFICIENCY, NUCLEAR TYPE 20. Identifiers: Orphanet 99901, MedGen C4747517, MONDO:0012624, OMIM 611126.

Allele frequency attached by ClinVar (database versions not stated): ExAC 0.00003; gnomAD 0.00005 and 0.00006; gnomAD exomes 0.00006 and 0.00014; ESP Exome Variant Server 0.00008; TOPMed 0.00008.
gnomAD v4.1: 212 of 1,613,646 alleles (0.013%); highest among the groups gnomAD compares: Non-Finnish European, 0.017%; no homozygotes.

Submissions (5):

GeneDx
Classification: Uncertain significance. Last evaluated: 2025-01-30. Review status: criteria provided, single submitter. Criteria: GeneDx Variant Classification Process June 2021. Collection method: clinical testing. Allele origin: germline. Affected: yes.
Comment: Not observed at significant frequency in large population cohorts (gnomAD); In silico analysis indicates that this missense variant does not alter protein structure/function; Has not been previously published as pathogenic or benign to our knowledge

Labcorp Genetics (formerly Invitae), Labcorp
Classification: Uncertain significance. Last evaluated: 2024-12-07. Review status: criteria provided, single submitter. Criteria: Invitae Variant Classification Sherloc (09022015). Collection method: clinical testing. Allele origin: germline.
Comment: This sequence change replaces arginine, which is basic and polar, with cysteine, which is neutral and slightly polar, at codon 31 of the ACAD9 protein (p.Arg31Cys). This variant is present in population databases (rs368630371, gnomAD 0.01%). This variant has not been reported in the literature in individuals affected with ACAD9-related conditions. ClinVar contains an entry for this variant (Variation ID: 214013). Invitae Evidence Modeling of protein sequence and biophysical properties (such as structural, functional, and spatial information, amino acid conservation, physicochemical variation, residue mobility, and thermodynamic stability) indicates that this missense variant is not expected to disrupt ACAD9 protein function with a negative predictive value of 80%. In summary, the available evidence is currently insufficient to determine the role of this variant in disease. Therefore, it has been classified as a Variant of Uncertain Significance.

Ambry Genetics
Classification: Uncertain significance for Inborn genetic diseases. Last evaluated: 2024-05-08. Review status: criteria provided, single submitter. Criteria: Ambry Variant Classification Scheme 2023. Collection method: clinical testing. Allele origin: germline.

Baylor Genetics
Classification: Uncertain significance for Acyl-CoA dehydrogenase 9 deficiency. Last evaluated: 2018-05-15. Review status: criteria provided, single submitter. Criteria: ACMG Guidelines, 2015. Collection method: clinical testing. Allele origin: unknown. Affected: yes.
Comment: This variant was determined to be of uncertain significance according to ACMG Guidelines, 2015 [PMID:25741868].

Natera, Inc.
Classification: Uncertain significance for ACAD9 deficiency. Last evaluated: 2019-10-28. Review status: no assertion criteria provided. Collection method: clinical testing. Allele origin: germline. Not counted in ClinVar's aggregate classification.